The following is an entry in ClinVar:

ClinVar aggregate classification (germline): Uncertain significance (1 of 4 stars; one submission).

Conditions:
Multiple endocrine neoplasia, type 1 (MEN1). Also called: MEN I; WERMER SYNDROME; Endocrine adenomatosis multiple; MEN 1; MEA I. Identifiers: Orphanet 652, MedGen C0025267, MeSH D018761, MONDO:0007540, OMIM 131100.

Submission:

Labcorp Genetics (formerly Invitae), Labcorp
Classification: Uncertain significance for Multiple endocrine neoplasia, type 1. Last evaluated: 2024-02-14. Review status: criteria provided, single submitter. Criteria: Invitae Variant Classification Sherloc (09022015). Collection method: clinical testing. Allele origin: germline.
Comment: This sequence change replaces glutamine, which is neutral and polar, with histidine, which is basic and polar, at codon 209 of the MEN1 protein (p.Gln209His). This variant is not present in population databases (gnomAD no frequency). This variant has not been reported in the literature in individuals affected with MEN1-related conditions. ClinVar contains an entry for this variant (Variation ID: 1040273). Advanced modeling of protein sequence and biophysical properties (such as structural, functional, and spatial information, amino acid conservation, physicochemical variation, residue mobility, and thermodynamic stability) performed at Invitae indicates that this missense variant is expected to disrupt MEN1 protein function with a positive predictive value of 95%. In summary, the available evidence is currently insufficient to determine the role of this variant in disease. Therefore, it has been classified as a Variant of Uncertain Significance.

NM_001370259.2(MEN1):c.627G>T (p.Gln209His)

Gene: MEN1 (menin 1; minus strand). Cytogenetic location: 11q13.1.
Variant type: single nucleotide variant.
Coding change: c.627G>T on transcript NM_001370259.2 (MANE Select); coding-DNA position 627, G replaced by T.
Protein change: p.Gln209His; replaces glutamine 209 with histidine.
Molecular consequence: missense variant. On other transcripts: intron variant (2).
Genome position (GRCh38, 1-based): chr11:64,807,918, C>A on the plus strand (G>T on the coding strand, the complement: MEN1 is on the minus strand). VCF-style: chr11-64807918-C-A. GRCh37 (hg19) VCF-style: chr11-64575390-C-A.
Other names: c.642G>T, p.Gln214His (NM_130804.3, NM_130800.3, NM_130801.3 and 3 more transcripts); c.549+78G>T (NM_001370263.2, NM_001370262.2); c.627G>T, p.Gln209His (NM_001370251.2, NM_001370260.2, NM_001370261.2 and 1 more transcripts); short protein forms Q209H, Q214H.
Identifiers: ClinVar variation 1040273 (VCV001040273.8), dbSNP rs1565647751, ClinGen allele CA381185371.
Genomic context (GRCh38, chr11:64,807,918, plus strand): 5'-GAAGGGGACAAGGCTGGGGGGAGGGAACAATACCCGCTCAGCCACACCGGCATTGACTGT[C>A]TGGCCCCTGCGGTCCTCGTTGCCCTTGCCGTGCCAGGTGACCTCAGCTGTCTGCTCCCCA-3'
Protein context (NP_001357188.2, residues 199-219): HGKGNEDRRG[Gln209His]TVNAGVAERS